The following is an entry in ClinVar:

ClinVar aggregate classification (germline): Conflicting classifications of pathogenicity. Review status: criteria provided, conflicting classifications (1 of 4 stars). 6 submissions from 6 submitters: Uncertain significance (3); Likely benign (2). 1 of the submissions does not count toward it. Last evaluated 2026-01-28.

Conditions:
OTOF-related disorder. Also called: OTOF-related condition.
Autosomal recessive nonsyndromic hearing loss 9. Also called: AUDITORY NEUROPATHY, AUTOSOMAL RECESSIVE, 1, TEMPERATURE-SENSITIVE; NEUROSENSORY NONSYNDROMIC RECESSIVE DEAFNESS 9; Deafness, autosomal recessive 9; OTOF-Related Hearing Loss. Identifiers: Orphanet 90636, MedGen C1832828, MONDO:0010986, OMIM 601071.

Allele frequency attached by ClinVar (database versions not stated): TOPMed 0.00017; gnomAD 0.00019 and 0.00027; ESP Exome Variant Server 0.00039; 1000 Genomes Project 30x 0.00047; gnomAD exomes 0.00055 and 0.00060; 1000 Genomes Project 0.00060; ExAC 0.00064.
gnomAD v4.1: 903 of 1,610,944 alleles (0.056%); highest among the groups gnomAD compares: South Asian, 0.22%; 1 homozygote.

Submissions (6):

Labcorp Genetics (formerly Invitae), Labcorp
Classification: Likely benign. Last evaluated: 2026-01-28. Review status: criteria provided, single submitter. Criteria: Invitae Variant Classification Sherloc (09022015). Collection method: clinical testing. Allele origin: germline.

GeneDx
Classification: Uncertain significance. Last evaluated: 2021-05-28. Review status: criteria provided, single submitter. Criteria: GeneDx Variant Classification Process June 2021. Collection method: clinical testing. Allele origin: germline. Affected: yes.
Comment: Has not been previously published as pathogenic or benign to our knowledge

Genomic Research Center, Shahid Beheshti University of Medical Sciences
Classification: Uncertain significance for Autosomal recessive nonsyndromic hearing loss 9. Last evaluated: 2018-03-05. Review status: criteria provided, single submitter. Criteria: ACMG Guidelines, 2015. Collection method: clinical testing. Allele origin: inherited. Affected: no. Observed: 1 variant allele.

Illumina Laboratory Services, Illumina
Classification: Uncertain significance for Autosomal recessive nonsyndromic hearing loss 9. Last evaluated: 2018-01-12. Review status: criteria provided, single submitter. Criteria: ICSL Variant Classification Criteria 13 December 2019. Collection method: clinical testing. Allele origin: germline.

Laboratory for Molecular Medicine, Mass General Brigham Personalized Medicine
Classification: Likely benign. Last evaluated: 2017-03-02. Review status: criteria provided, single submitter. Criteria: LMM Criteria. Collection method: clinical testing. Allele origin: germline. Observed: 2 variant alleles.
Comment: p.Gln833Leu in exon 21 of OTOF: This variant is not expected to have clinical si gnificance because it has been identified in 0.3% (36/14280) of South Asian Chro mosomes by the Exome Aggregation Consortium (ExAC, g; dbSNP rs191568463).

PreventionGenetics, part of Exact Sciences
Classification: Likely benign for OTOF-related condition. Last evaluated: 2024-06-18. Review status: no assertion criteria provided. Collection method: clinical testing. Allele origin: germline. Not counted in ClinVar's aggregate classification.
Comment: This variant is classified as likely benign based on ACMG/AMP sequence variant interpretation guidelines (Richards et al. 2015 PMID: 25741868, with internal and published modifications).

NM_194248.3(OTOF):c.2498A>T (p.Gln833Leu)

Gene: OTOF (otoferlin; minus strand). Cytogenetic location: 2p23.3.
Variant type: single nucleotide variant.
Coding change: c.2498A>T on transcript NM_194248.3 (MANE Select); coding-DNA position 2498, A replaced by T.
Protein change: p.Gln833Leu; replaces glutamine 833 with leucine.
Molecular consequence: missense variant.
Genome position (GRCh38, 1-based): chr2:26,477,197, T>A on the plus strand (A>T on the coding strand, the complement: OTOF is on the minus strand). VCF-style: chr2-26477197-T-A. GRCh37 (hg19) VCF-style: chr2-26700065-T-A.
Other names: c.2498A>T, p.Gln833Leu (NM_001287489.2); c.257A>T, p.Gln86Leu (NM_004802.4, NM_194323.3); c.428A>T, p.Gln143Leu (NM_194322.3); short protein forms Q833L, Q86L, Q143L.
Identifiers: ClinVar variation 178511 (VCV000178511.23), dbSNP rs191568463, ClinGen allele CA182464.